The following is an entry in ClinVar:

ClinVar aggregate classification (germline): Uncertain significance. Review status: criteria provided, multiple submitters, no conflicts (2 of 4 stars). 2 submissions from 2 submitters: Uncertain significance (2). Last evaluated 2025-09-03.

Conditions:
Cardiovascular phenotype. Identifiers: MedGen CN230736.
Noonan syndrome 9 (NS9). Identifiers: Orphanet 648, MedGen C4225282, MONDO:0014691, OMIM 616559.

Allele frequency attached by ClinVar (database versions not stated): ExAC 0.00001; gnomAD 0.00001; gnomAD exomes 0.00001 and 0.00002; TOPMed 0.00002.
gnomAD v4.1: 11 of 1,610,728 alleles (0.00068%); highest among the groups gnomAD compares: African/African-American, 0.0013%; no homozygotes.

Submissions (2):

Labcorp Genetics (formerly Invitae), Labcorp
Classification: Uncertain significance for Noonan syndrome 9. Last evaluated: 2025-09-03. Review status: criteria provided, single submitter. Criteria: Invitae Variant Classification Sherloc (09022015). Collection method: clinical testing. Allele origin: germline.
Comment: This sequence change replaces glycine, which is neutral and non-polar, with serine, which is neutral and polar, at codon 868 of the SOS2 protein (p.Gly868Ser). This variant is present in population databases (rs751419448, gnomAD 0.0009%). This variant has not been reported in the literature in individuals affected with SOS2-related conditions. ClinVar contains an entry for this variant (Variation ID: 475746). Invitae Evidence Modeling of protein sequence and biophysical properties (such as structural, functional, and spatial information, amino acid conservation, physicochemical variation, residue mobility, and thermodynamic stability) has been performed for this missense variant. However, the output from this modeling did not meet the statistical confidence thresholds required to predict the impact of this variant on SOS2 protein function. In summary, the available evidence is currently insufficient to determine the role of this variant in disease. Therefore, it has been classified as a Variant of Uncertain Significance.

Ambry Genetics
Classification: Uncertain significance for Cardiovascular phenotype. Last evaluated: 2025-01-04. Review status: criteria provided, single submitter. Criteria: Ambry Variant Classification Scheme 2023. Collection method: clinical testing. Allele origin: germline.
Comment: The p.G868S variant (also known as c.2602G>A), located in coding exon 16 of the SOS2 gene, results from a G to A substitution at nucleotide position 2602. The glycine at codon 868 is replaced by serine, an amino acid with similar properties. This amino acid position is conserved. In addition, the in silico prediction for this alteration is inconclusive. Since supporting evidence is limited at this time, the clinical significance of this alteration remains unclear.

NM_006939.4(SOS2):c.2602G>A (p.Gly868Ser)

Gene: SOS2 (SOS Ras/Rho guanine nucleotide exchange factor 2; minus strand). Cytogenetic location: 14q21.3.
Variant type: single nucleotide variant.
Coding change: c.2602G>A on transcript NM_006939.4 (MANE Select); coding-DNA position 2602, G replaced by A.
Protein change: p.Gly868Ser; replaces glycine 868 with serine.
Molecular consequence: missense variant.
Genome position (GRCh38, 1-based): chr14:50,145,235, C>T on the plus strand (G>A on the coding strand, the complement: SOS2 is on the minus strand). VCF-style: chr14-50145235-C-T. GRCh37 (hg19) VCF-style: chr14-50611953-C-T.
Other names: short protein forms G868S.
Identifiers: ClinVar variation 475746 (VCV000475746.9), dbSNP rs751419448, ClinGen allele CA7177003.